The following is an entry in ClinVar:

NM_001394998.1(TANC2):c.4410G>T (p.Gln1470His)

Gene: TANC2 (tetratricopeptide repeat, ankyrin repeat and coiled-coil containing 2; plus strand). Cytogenetic location: 17q23.3.
Variant type: single nucleotide variant.
Coding change: c.4410G>T on transcript NM_001394998.1 (MANE Select); coding-DNA position 4410, G replaced by T.
Protein change: p.Gln1470His; replaces glutamine 1470 with histidine.
Molecular consequence: missense variant.
Genome position (GRCh38, 1-based): chr17:63,420,140, G>T. VCF-style: chr17-63420140-G-T. GRCh37 (hg19) VCF-style: chr17-61497501-G-T.
Other names: c.4188G>T, p.Gln1396His (NM_001411076.1); c.4158G>T, p.Gln1386His (NM_025185.4); short protein forms Q1386H, Q1396H, Q1470H.
Identifiers: ClinVar variation 4535034 (VCV004535034.6).

ClinVar aggregate classification (germline): Uncertain significance (1 of 4 stars; one submission).

Submission:

CeGaT Center for Human Genetics Tuebingen
Classification: Uncertain significance. Last evaluated: 2025-10-01. Review status: criteria provided, single submitter. Criteria: CeGaT Center For Human Genetics Tuebingen Variant Classification Criteria Version 2. Collection method: clinical testing. Allele origin: germline. Affected: yes. Observed: 1 variant allele.
Comment: TANC2: PM2, BP4